The following is an entry in ClinVar:

NM_002299.4(LCT):c.2986G>A (p.Gly996Arg)

Gene: LCT (lactase; minus strand). Cytogenetic location: 2q21.3.
Variant type: single nucleotide variant.
Coding change: c.2986G>A on transcript NM_002299.4 (MANE Select); coding-DNA position 2986, G replaced by A.
Protein change: p.Gly996Arg; replaces glycine 996 with arginine.
Molecular consequence: missense variant.
Genome position (GRCh38, 1-based): chr2:135,809,361, C>T on the plus strand (G>A on the coding strand, the complement: LCT is on the minus strand). VCF-style: chr2-135809361-C-T. GRCh37 (hg19) VCF-style: chr2-136566931-C-T.
Other names: short protein forms G996R.
Identifiers: ClinVar variation 1716904 (VCV001716904.5), dbSNP rs1344637529, ClinGen allele CA348601326.

ClinVar aggregate classification (germline): Uncertain significance (1 of 4 stars; one submission).

Allele frequency attached by ClinVar (database versions not stated): gnomAD exomes below 0.00001.
gnomAD v4.1: 1 of 1,614,172 alleles (0.000062%); highest among the groups gnomAD compares: Admixed American, 0.0017%; no homozygotes.

Submission:

Labcorp Genetics (formerly Invitae), Labcorp
Classification: Uncertain significance. Last evaluated: 2022-08-19. Review status: criteria provided, single submitter. Criteria: Invitae Variant Classification Sherloc (09022015). Collection method: clinical testing. Allele origin: germline.
Comment: This sequence change replaces glycine, which is neutral and non-polar, with arginine, which is basic and polar, at codon 996 of the LCT protein (p.Gly996Arg). This variant is present in population databases (no rsID available, gnomAD 0.003%). In summary, the available evidence is currently insufficient to determine the role of this variant in disease. Therefore, it has been classified as a Variant of Uncertain Significance. Algorithms developed to predict the effect of missense changes on protein structure and function are either unavailable or do not agree on the potential impact of this missense change (SIFT: "Not Available"; PolyPhen-2: "Probably Damaging"; Align-GVGD: "Not Available"). This variant has not been reported in the literature in individuals affected with LCT-related conditions.